The following is an entry in ClinVar:

ClinVar aggregate classification (germline): Uncertain significance (1 of 4 stars; one submission).

Conditions:
ATL1-related disorder. Also called: ATL1-related condition.

Submission:

PreventionGenetics, part of Exact Sciences
Classification: Uncertain significance for ATL1-related condition. Last evaluated: 2025-12-09. Review status: criteria provided, single submitter. Criteria: ACMG Guidelines, 2015. Collection method: clinical testing. Allele origin: germline.
Comment: The ATL1 c.1093G>A variant is predicted to result in the amino acid substitution p.Asp365Asn. To our knowledge, this variant has not been reported in the literature or in a large population database (gnomAD), indicating this variant is rare. At this time, the clinical significance of this variant is uncertain due to the absence of conclusive functional and genetic evidence.

NM_015915.5(ATL1):c.1093G>A (p.Asp365Asn)

Gene: ATL1 (atlastin GTPase 1; plus strand). Cytogenetic location: 14q22.1.
Variant type: single nucleotide variant.
Coding change: c.1093G>A on transcript NM_015915.5 (MANE Select); coding-DNA position 1093, G replaced by A.
Protein change: p.Asp365Asn; replaces aspartic acid 365 with asparagine.
Molecular consequence: missense variant.
Genome position (GRCh38, 1-based): chr14:50,623,222, G>A. VCF-style: chr14-50623222-G-A. GRCh37 (hg19) VCF-style: chr14-51089940-G-A.
Other names: c.1093G>A, p.Asp365Asn (NM_001127713.1, NM_181598.4); short protein forms D365N.
Identifiers: ClinVar variation 4986464 (VCV004986464.1).